The following is an entry in ClinVar:

ClinVar aggregate classification (germline): Pathogenic. Review status: criteria provided, single submitter (1 of 4 stars). 3 submissions from 2 submitters: Pathogenic (1). 2 of the submissions do not count toward it. Last evaluated 2018-11-14.

Conditions:
Developmental delay with variable intellectual impairment and behavioral abnormalities. Identifiers: MedGen C5193092, MONDO:0032745, OMIM 618430.
Neurodevelopmental abnormality. Identifiers: MedGen C4022737, HP:0012759.

Submissions (3):

GeneDx
Classification: Pathogenic for Neurodevelopmental abnormality. Last evaluated: 2018-11-14. Review status: criteria provided, single submitter. Criteria: GeneDx Variant Classification (06012015). Collection method: clinical testing. Allele origin: de novo. Affected: yes.

Solve-RD Consortium
Classification: Likely pathogenic for Developmental delay with variable intellectual impairment and behavioral abnormalities. Last evaluated: 2022-06-01. Review status: no assertion criteria provided. Collection method: provider interpretation. Allele origin: inherited. Affected: yes. Not counted in ClinVar's aggregate classification.
Comment: Variant confirmed as disease-causing by referring clinical team

Variant identified during reanalysis of unsolved cases by the Solve-RD project. The Solve-RD project has received funding from the European Union’s Horizon 2020 research and innovation programme under grant agreement No 779257.

GeneDx
Classification: Pathogenic. Last evaluated: 2018-11-14. Review status: flagged submission. Criteria: GeneDx Variant Classification (06012015). Collection method: clinical testing. Allele origin: germline. Affected: yes. Not counted in ClinVar's aggregate classification.
Comment: The c.932_933delAG variant in the TCF20 gene has been observed in internal GeneDx whole exome sequencing data in association with global developmental delay, attention deficit hyperactivity disorder, neurologic abnormalities, and dysmorphic features. The c.932_933delAG variant causes a frameshift starting with codon Glutamine 311, changes this amino acid to an Arginine residue, and creates a premature Stop codon at position 22 of the new reading frame, denoted p.Gln311ArgfsX22. This variant is predicted to cause loss of normal protein function either through protein truncation or nonsense-mediated mRNA decay. The c.932_933delAG variant is not observed in large population cohorts (Lek et al., 2016). Therefore, we interpret c.932_933delAG as a pathogenic variant.
ClinVar note: Reason: This record appears to be redundant with a more recent record from the same submitter.
ClinVar note: Notes: SCV001168626 appears to be redundant with SCV000854586.

Literature cited by the submitters: PubMed 39825153 (cited by Solve-RD Consortium).

NM_001378418.1(TCF20):c.932_933del (p.Gln311fs)

Gene: TCF20 (transcription factor 20; minus strand). Cytogenetic location: 22q13.2.
Variant type: Deletion.
Coding change: c.932_933del on transcript NM_001378418.1 (MANE Select); coding-DNA positions 932 to 933, 2 bases deleted (AG; older notation c.932_933delAG).
Protein change: p.Gln311fs; shifts the reading frame from glutamine 311.
Molecular consequence: frameshift variant.
Genome position (GRCh38, 1-based): chr22:42,214,373-42,214,374, CT deleted on the plus strand (AG on the coding strand, the reverse complement: TCF20 is on the minus strand). VCF-style (leftmost placement, unchanged base first): chr22-42214372-CCT-C. GRCh37 (hg19) VCF-style: chr22-42610378-CCT-C.
Other names: c.932_933del, p.Gln311fs (NM_005650.4, NM_181492.3); short protein forms Q311fs.
Identifiers: ClinVar variation 599637 (VCV000599637.4), dbSNP rs1569153159, ClinGen allele CA913190666.